The following is an entry in ClinVar:

ClinVar aggregate classification (germline): Uncertain significance (1 of 4 stars; one submission).

Submission:

Women's Health and Genetics/Laboratory Corporation of America, LabCorp
Classification: Uncertain significance. Last evaluated: 2026-03-02. Review status: criteria provided, single submitter. Criteria: LabCorp Variant Classification Summary - May 2015. Collection method: clinical testing. Allele origin: germline.
Comment: Variant summary: The variant involves the duplication of exon 11 in the BRCA2 gene. A presumed nomenclature of c.(1909+1_1910-1)_(6841+1_6842-1)dup has been designated for the purposes of this classification. It is assumed to be a tandem duplication in direct orientation (PMIDs: 25640679, 30054569). This Copy Number Variant (CNV) is predicted to result in an in-frame duplication within this gene. The variant was absent in 21688 control chromosomes. The available data on variant occurrences in the general population are insufficient to allow any conclusion about variant significance. To our knowledge, no occurrence of similar copy number variants in individuals affected with BRCA2-related conditions and no experimental evidence demonstrating impact on protein function have been reported. No submitters have cited clinical-significance assessments for this variant to ClinVar. Based on the evidence outlined above, the variant was classified as uncertain significance.

NC_000013.10:g.(32907525_32910401)_(32915334_32918694)dup

Gene: BRCA2 (BRCA2 DNA repair associated; plus strand). Cytogenetic location: 13q13.1.
Variant type: Duplication.
Identifiers: ClinVar variation 4847601 (VCV004847601.1).